The following is an entry in ClinVar:

NM_080680.3(COL11A2):c.2626A>T (p.Arg876Trp)

Gene: COL11A2 (collagen type XI alpha 2 chain; minus strand). Cytogenetic location: 6p21.32.
Variant type: single nucleotide variant.
Coding change: c.2626A>T on transcript NM_080680.3 (MANE Select); coding-DNA position 2626, A replaced by T.
Protein change: p.Arg876Trp; replaces arginine 876 with tryptophan.
Molecular consequence: missense variant.
Genome position (GRCh38, 1-based): chr6:33,173,703, T>A on the plus strand (A>T on the coding strand, the complement: COL11A2 is on the minus strand). VCF-style: chr6-33173703-T-A. GRCh37 (hg19) VCF-style: chr6-33141480-T-A.
Other names: c.2446A>T, p.Arg816Trp (NM_001424108.1); c.1780A>T, p.Arg594Trp (NM_001424109.1); c.1600A>T, p.Arg534Trp (NM_001424110.1, NM_001424111.1); c.580A>T, p.Arg194Trp (NM_001424112.1); c.2305A>T, p.Arg769Trp (NM_080679.3); c.2368A>T, p.Arg790Trp (NM_080681.3); short protein forms R594W, R876W, R769W, R194W, R790W, R816W, R534W.
Identifiers: ClinVar variation 3731048 (VCV003731048.1).
Genomic context (GRCh38, chr6:33,173,703, plus strand): 5'-TGGCTCACCCAGGCTCCCTGGGGACCTCAGGGGAAGGGGACTTTCGATCCACACTCACCC[T>A]CTCTCCAGGGGGCCCATGGGGGCCATCACCACCAGATGTTCCCTGTGGGGGGAAACAGAG-3'
Protein context (NP_542411.2, residues 866-886): GDGPHGPPGE[Arg876Trp]GLPGPQGPNG

ClinVar aggregate classification (germline): Uncertain significance (1 of 4 stars; one submission).

Submission:

GeneDx
Classification: Uncertain significance. Last evaluated: 2024-08-11. Review status: criteria provided, single submitter. Criteria: GeneDx Variant Classification Process June 2021. Collection method: clinical testing. Allele origin: germline. Affected: yes.
Comment: Has not been previously published as pathogenic or benign to our knowledge; Not observed at significant frequency in large population cohorts (gnomAD); In silico analysis supports that this missense variant has a deleterious effect on protein structure/function